The following is an entry in ClinVar:

ClinVar aggregate classification (germline): Conflicting classifications of pathogenicity. Review status: criteria provided, conflicting classifications (1 of 4 stars). 5 submissions from 5 submitters: Likely pathogenic (1); Uncertain significance (3); Benign (1). Last evaluated 2024-07-05.

Conditions:
Wolfram syndrome 1 (WFS1). Identifiers: Orphanet 3463, MedGen C4551693, MONDO:0009101, OMIM 222300.
WFS1-related disorder. Identifiers: MedGen CN379391, MONDO:0700293.
Autistic behavior. Identifiers: MedGen C0856975, HP:0000729.

Allele frequency attached by ClinVar (database versions not stated): gnomAD exomes 0.00001; TOPMed 0.00001; gnomAD 0.00002.

Submissions (5):

GeneDx
Classification: Uncertain significance. Last evaluated: 2024-07-05. Review status: criteria provided, single submitter. Criteria: GeneDx Variant Classification Process June 2021. Collection method: clinical testing. Allele origin: germline. Affected: yes.
Comment: Not observed at significant frequency in large population cohorts (gnomAD); In silico analysis supports that this missense variant has a deleterious effect on protein structure/function; Has not been previously published as pathogenic or benign to our knowledge; This variant is associated with the following publications: (PMID: 33879153, 20738327)

Labcorp Genetics (formerly Invitae), Labcorp
Classification: Uncertain significance. Last evaluated: 2024-03-05. Review status: criteria provided, single submitter. Criteria: Invitae Variant Classification Sherloc (09022015). Collection method: clinical testing. Allele origin: germline.
Comment: This sequence change replaces cysteine, which is neutral and slightly polar, with tyrosine, which is neutral and polar, at codon 847 of the WFS1 protein (p.Cys847Tyr). This variant is not present in population databases (gnomAD no frequency). This variant has not been reported in the literature in individuals affected with WFS1-related conditions. ClinVar contains an entry for this variant (Variation ID: 437421). Advanced modeling of protein sequence and biophysical properties (such as structural, functional, and spatial information, amino acid conservation, physicochemical variation, residue mobility, and thermodynamic stability) performed at Invitae indicates that this missense variant is expected to disrupt WFS1 protein function with a positive predictive value of 95%. In summary, the available evidence is currently insufficient to determine the role of this variant in disease. Therefore, it has been classified as a Variant of Uncertain Significance.

Blueprint Genetics
Classification: Likely pathogenic for WFS1-related disorders. Last evaluated: 2022-03-24. Review status: criteria provided, single submitter. Criteria: ACMG Guidelines, 2015. Collection method: clinical testing. Allele origin: germline. Affected: yes. Observed: 3 variant alleles.

Center of Genomic medicine, Geneva, University Hospital of Geneva
Classification: Uncertain significance for Autistic behavior. Last evaluated: 2017-03-22. Review status: criteria provided, single submitter. Criteria: ACMG Guidelines, 2015. Collection method: clinical testing. Allele origin: paternal. Affected: yes.

Clinical Genomics, Uppaluri K&H Personalized Medicine Clinic
Classification: Benign for Wolfram syndrome 1. Review status: criteria provided, single submitter. Criteria: K & H Uppaluri Personalized Medicine Clinic Variant Classification & Assertion Criteria_Updated V.1. Collection method: research. Allele origin: unknown. Inheritance: Autosomal recessive inheritance.
Comment: Potent mutations in WFS1 gene are associated with Wolfram's syndrome, an autosomal recessive condition, which cause diabetes mellitus, diabetes insipidus, deafness and optic atrophy. However no sufficient evidence is found to ascertain the role of this particular variant rs1394576939 in Wolfram's syndrome yet.

Literature cited by the submitters: PubMed 20738327 (cited by Clinical Genomics, Uppaluri K&H Personalized Medicine Clinic); PubMed 33879153 (cited by Clinical Genomics, Uppaluri K&H Personalized Medicine Clinic); PubMed 12955714 (cited by Clinical Genomics, Uppaluri K&H Personalized Medicine Clinic); PubMed 18060660 (cited by Clinical Genomics, Uppaluri K&H Personalized Medicine Clinic); PubMed 20301750 (cited by Clinical Genomics, Uppaluri K&H Personalized Medicine Clinic); PubMed 17603484 (cited by Clinical Genomics, Uppaluri K&H Personalized Medicine Clinic).

NM_006005.3(WFS1):c.2540G>A (p.Cys847Tyr)

Gene: WFS1 (wolframin ER transmembrane glycoprotein; plus strand). Cytogenetic location: 4p16.1.
Variant type: single nucleotide variant.
Coding change: c.2540G>A on transcript NM_006005.3 (MANE Select); coding-DNA position 2540, G replaced by A.
Protein change: p.Cys847Tyr; replaces cysteine 847 with tyrosine.
Molecular consequence: missense variant.
Genome position (GRCh38, 1-based): chr4:6,302,335, G>A. VCF-style: chr4-6302335-G-A. GRCh37 (hg19) VCF-style: chr4-6304062-G-A.
Other names: c.2540G>A, p.Cys847Tyr (NM_001145853.1); short protein forms C847Y.
Identifiers: ClinVar variation 437421 (VCV000437421.10), dbSNP rs1394576939, ClinGen allele CA356179170.